The following is an entry in ClinVar:

NM_001042492.3(NF1):c.5721T>A (p.Phe1907Leu)

Gene: NF1 (neurofibromin 1; plus strand). Cytogenetic location: 17q11.2.
Variant type: single nucleotide variant.
Coding change: c.5721T>A on transcript NM_001042492.3 (MANE Select); coding-DNA position 5721, T replaced by A.
Protein change: p.Phe1907Leu; replaces phenylalanine 1907 with leucine.
Molecular consequence: missense variant.
Genome position (GRCh38, 1-based): chr17:31,330,407, T>A. VCF-style: chr17-31330407-T-A. GRCh37 (hg19) VCF-style: chr17-29657425-T-A.
Other names: c.5658T>A, p.Phe1886Leu (NM_000267.4); short protein forms F1886L, F1907L.
Identifiers: ClinVar variation 484132 (VCV000484132.6), dbSNP rs1555533868, ClinGen allele CA399010330.
Genomic context (GRCh38, chr17:31,330,407, plus strand): 5'-AATCGAGGGCCAGTTACTAGAGACATCAGGTTTATGTATCCCTGCCAACAACACCCTCTT[T>A]ATTGTCTCTATTAGTAAGACACTGGCAGCCAATGAGCCACACCTCACGTTAGAATTTTTG-3'
Protein context (NP_001035957.1, residues 1897-1917): GLCIPANNTL[Phe1907Leu]IVSISKTLAA

ClinVar aggregate classification (germline): Uncertain significance (1 of 4 stars; one submission).

Conditions:
Hereditary cancer-predisposing syndrome. Also called: Neoplastic Syndromes, Hereditary; Hereditary neoplastic syndrome; Hereditary Cancer Syndrome; Tumor predisposition. Identifiers: Orphanet 140162, MedGen C0027672, MeSH D009386, MONDO:0015356.
Cardiovascular phenotype. Identifiers: MedGen CN230736.

Submission:

Ambry Genetics
Classification: Uncertain significance for Cardiovascular phenotype; Hereditary cancer-predisposing syndrome. Last evaluated: 2026-07-23. Review status: criteria provided, single submitter. Criteria: Ambry Variant Classification Scheme 2023. Collection method: clinical testing. Allele origin: germline.
Comment: The p.F1886L variant (also known as c.5658T>A), located in coding exon 38 of the NF1 gene, results from a T to A substitution at nucleotide position 5658. The phenylalanine at codon 1886 is replaced by leucine, an amino acid with highly similar properties. This amino acid position is highly conserved in available vertebrate species. In addition, this alteration is predicted to be deleterious by in silico analysis. Since supporting evidence is limited at this time, the clinical significance of this alteration remains unclear.